The following is an entry in ClinVar:

NM_002227.4(JAK1):c.1818G>C (p.Lys606Asn)

Genes: JAK1 (Janus kinase 1; minus strand), LOC126805749 (BRD4-independent group 4 enhancer GRCh37_chr1:65312286-65313485; plus strand). Cytogenetic location: 1p31.3.
Variant type: single nucleotide variant.
Coding change: c.1818G>C on transcript NM_002227.4 (MANE Select); coding-DNA position 1818, G replaced by C.
Protein change: p.Lys606Asn; replaces lysine 606 with asparagine.
Molecular consequence: missense variant.
Genome position (GRCh38, 1-based): chr1:64,847,613, C>G on the plus strand (G>C on the coding strand, the complement: JAK1 is on the minus strand). VCF-style: chr1-64847613-C-G. GRCh37 (hg19) VCF-style: chr1-65313296-C-G.
Other names: c.1818G>C, p.Lys606Asn (NM_001320923.2, NM_001321852.2, NM_001321853.2 and 3 more transcripts); c.1815G>C, p.Lys605Asn (NM_001321857.2); short protein forms K605N, K606N.
Identifiers: ClinVar variation 4748799 (VCV004748799.2).

ClinVar aggregate classification (germline): Uncertain significance. Review status: criteria provided, multiple submitters, no conflicts (2 of 4 stars). 2 submissions from 2 submitters: Uncertain significance (2). Last evaluated 2026-01-28.

gnomAD v4.1: 17 of 1,614,168 alleles (0.0011%); highest among the groups gnomAD compares: Non-Finnish European, 0.0014%; no homozygotes.

Submissions (2):

Labcorp Genetics (formerly Invitae), Labcorp
Classification: Uncertain significance. Last evaluated: 2026-01-28. Review status: criteria provided, single submitter. Criteria: Invitae Variant Classification Sherloc (09022015). Collection method: clinical testing. Allele origin: germline.
Comment: This sequence change replaces lysine, which is basic and polar, with asparagine, which is neutral and polar, at codon 606 of the JAK1 protein (p.Lys606Asn). This variant is present in population databases (rs555662015, gnomAD 0.0009%). This variant has not been reported in the literature in individuals affected with JAK1-related conditions. Invitae Evidence Modeling of protein sequence and biophysical properties (such as structural, functional, and spatial information, amino acid conservation, physicochemical variation, residue mobility, and thermodynamic stability) indicates that this missense variant is not expected to disrupt JAK1 protein function with a negative predictive value of 80%. In summary, the available evidence is currently insufficient to determine the role of this variant in disease. Therefore, it has been classified as a Variant of Uncertain Significance.

Blueprint Genetics
Classification: Uncertain significance. Last evaluated: 2020-11-27. Review status: criteria provided, single submitter. Criteria: ACMG Guidelines, 2015. Collection method: clinical testing. Allele origin: germline.